The following is an entry in ClinVar:

NM_006245.4(PPP2R5D):c.793A>C (p.Ile265Leu)

Gene: PPP2R5D (protein phosphatase 2 regulatory subunit B'delta; plus strand). Cytogenetic location: 6p21.1.
Variant type: single nucleotide variant.
Coding change: c.793A>C on transcript NM_006245.4 (MANE Select); coding-DNA position 793, A replaced by C.
Protein change: p.Ile265Leu; replaces isoleucine 265 with leucine.
Molecular consequence: missense variant.
Genome position (GRCh38, 1-based): chr6:43,008,001, A>C. VCF-style: chr6-43008001-A-C. GRCh37 (hg19) VCF-style: chr6-42975739-A-C.
Other names: c.340A>C, p.Ile114Leu (NM_001270476.2); c.697A>C, p.Ile233Leu (NM_180976.3); c.475A>C, p.Ile159Leu (NM_180977.3); short protein forms I233L, I265L, I114L, I159L.
Identifiers: ClinVar variation 802217 (VCV000802217.7), dbSNP rs957822115, ClinGen allele CA138249877.

ClinVar aggregate classification (germline): Conflicting classifications of pathogenicity. Review status: criteria provided, conflicting classifications (1 of 4 stars). 3 submissions from 3 submitters: Uncertain significance (2); Likely benign (1). Last evaluated 2026-08-06.

Conditions:
Houge-Janssens syndrome 1. Also called: PPP2R5D-Related Neurodevelopmental Disorder; Intellectual disability-macrocephaly-hypotonia-behavioral abnormalities syndrome; Hogue-Janssens syndrome 1; INTELLECTUAL DEVELOPMENTAL DISORDER, AUTOSOMAL DOMINANT 35. Identifiers: Orphanet 457279, MedGen C5779996, MONDO:0014602, OMIM 616355.

Allele frequency attached by ClinVar (database versions not stated): gnomAD exomes below 0.00001 and 0.00001; gnomAD 0.00001; TOPMed 0.00001.
gnomAD v4.1: 4 of 1,614,040 alleles (0.00025%); highest among the groups gnomAD compares: Non-Finnish European, 0.00025%; no homozygotes.

Submissions (3):

OLLIN Analises Genomicas, OLLIN
Classification: Uncertain significance for Houge-Janssens syndrome 1. Last evaluated: 2026-08-06. Review status: criteria provided, single submitter. Criteria: ACMG Guidelines 2015 PMID 25741868. Collection method: clinical testing. Allele origin: germline.
Comment: This missense variant, located in exon 7 (of 16), has been reported in ClinVar (accession VCV000802217.6) and in gnomAD with an allele frequency of 0.00025%. However, to our knowledge, it has not been reported in the scientific literature. In silico analysis is inconclusive regarding the impact of this variant. This gene is constrained for missense variation. According to the currently available evidence, this variant has been classified as uncertain significance (PP2, BS2).

Labcorp Genetics (formerly Invitae), Labcorp
Classification: Uncertain significance. Last evaluated: 2024-02-22. Review status: criteria provided, single submitter. Criteria: Invitae Variant Classification Sherloc (09022015). Collection method: clinical testing. Allele origin: germline.
Comment: This sequence change replaces isoleucine, which is neutral and non-polar, with leucine, which is neutral and non-polar, at codon 265 of the PPP2R5D protein (p.Ile265Leu). This variant is present in population databases (no rsID available, gnomAD 0.002%). This variant has not been reported in the literature in individuals affected with PPP2R5D-related conditions. ClinVar contains an entry for this variant (Variation ID: 802217). An algorithm developed to predict the effect of missense changes on protein structure and function (PolyPhen-2) suggests that this variant is likely to be disruptive. In summary, the available evidence is currently insufficient to determine the role of this variant in disease. Therefore, it has been classified as a Variant of Uncertain Significance.

Mendelics
Classification: Likely benign for Houge-Janssens syndrome 1. Last evaluated: 2019-05-28. Review status: criteria provided, single submitter. Criteria: Mendelics Assertion Criteria 2017. Collection method: clinical testing. Allele origin: unknown.